The following is an entry in ClinVar:

ClinVar aggregate classification (germline): Uncertain significance (1 of 4 stars; one submission).

Submission:

Labcorp Genetics (formerly Invitae), Labcorp
Classification: Uncertain significance. Last evaluated: 2024-01-04. Review status: criteria provided, single submitter. Criteria: Invitae Variant Classification Sherloc (09022015). Collection method: clinical testing. Allele origin: germline.
Comment: This sequence change replaces proline, which is neutral and non-polar, with leucine, which is neutral and non-polar, at codon 676 of the UTP4 protein (p.Pro676Leu). This variant is not present in population databases (gnomAD no frequency). This variant has not been reported in the literature in individuals affected with UTP4-related conditions. Advanced modeling of protein sequence and biophysical properties (such as structural, functional, and spatial information, amino acid conservation, physicochemical variation, residue mobility, and thermodynamic stability) performed at Invitae indicates that this missense variant is expected to disrupt UTP4 protein function with a positive predictive value of 80%. In summary, the available evidence is currently insufficient to determine the role of this variant in disease. Therefore, it has been classified as a Variant of Uncertain Significance.

NM_032830.3(UTP4):c.2027C>T (p.Pro676Leu)

Gene: UTP4 (UTP4 small subunit processome component). Cytogenetic location: 16q22.1.
Variant type: single nucleotide variant.
Coding change: c.2027C>T on transcript NM_032830.3 (MANE Select); coding-DNA position 2027, C replaced by T.
Protein change: p.Pro676Leu; replaces proline 676 with leucine.
Molecular consequence: missense variant.
Genome position (GRCh38, 1-based): chr16:69,168,903, C>T. VCF-style: chr16-69168903-C-T. GRCh37 (hg19) VCF-style: chr16-69202806-C-T.
Other names: c.1778C>T, p.Pro593Leu (NM_001318391.2); short protein forms P593L, P676L.
Identifiers: ClinVar variation 2706202 (VCV002706202.3), dbSNP rs2544433213, ClinGen allele CA396511303.